The following is an entry in ClinVar:

NM_024753.5(TTC21B):c.1678A>G (p.Arg560Gly)

Gene: TTC21B (tetratricopeptide repeat domain 21B; minus strand). Cytogenetic location: 2q24.3.
Variant type: single nucleotide variant.
Coding change: c.1678A>G on transcript NM_024753.5 (MANE Select); coding-DNA position 1678, A replaced by G.
Protein change: p.Arg560Gly; replaces arginine 560 with glycine.
Molecular consequence: missense variant.
Genome position (GRCh38, 1-based): chr2:165,917,478, T>C on the plus strand (A>G on the coding strand, the complement: TTC21B is on the minus strand). VCF-style: chr2-165917478-T-C. GRCh37 (hg19) VCF-style: chr2-166773988-T-C.
Other names: short protein forms R560G.
Identifiers: ClinVar variation 4986376 (VCV004986376.1).

ClinVar aggregate classification (germline): Uncertain significance (1 of 4 stars; one submission).

Conditions:
TTC21B-related disorder. Also called: TTC21B-related condition; TTC21B-related disorders.

Submission:

PreventionGenetics, part of Exact Sciences
Classification: Uncertain significance for TTC21B-related condition. Last evaluated: 2026-01-07. Review status: criteria provided, single submitter. Criteria: ACMG Guidelines, 2015. Collection method: clinical testing. Allele origin: germline.
Comment: The TTC21B c.1678A>G variant is predicted to result in the amino acid substitution p.Arg560Gly. To our knowledge, this variant has not been reported in the literature or in a large population database (gnomAD), indicating this variant is rare. At this time, the clinical significance of this variant is uncertain due to the absence of conclusive functional and genetic evidence.